The following is an entry in ClinVar:

ClinVar aggregate classification (germline): Pathogenic. Review status: criteria provided, single submitter (1 of 4 stars). 4 submissions from 2 submitters: Pathogenic (1). 3 of the submissions do not count toward it. Last evaluated 2023-01-20.

Conditions:
HEMOGLOBIN PERTH.
HEMOGLOBIN ABRAHAM LINCOLN.
HEMOGLOBIN KOBE.

Submissions (4):

Mayo Clinic Laboratories, Mayo Clinic
Classification: Pathogenic. Last evaluated: 2023-01-20. Review status: criteria provided, single submitter. Criteria: ACMG Guidelines, 2015. Collection method: clinical testing. Allele origin: germline. Observed: 1 variant allele.
Comment: PP3, PM2, PM6, PS4_moderate

OMIM
Classification: other for HEMOGLOBIN PERTH. Last evaluated: 2017-12-12. Review status: no assertion criteria provided. Collection method: literature only. Allele origin: germline. Not counted in ClinVar's aggregate classification.

OMIM
Classification: other for HEMOGLOBIN ABRAHAM LINCOLN. Last evaluated: 2017-12-12. Review status: no assertion criteria provided. Collection method: literature only. Allele origin: germline. Not counted in ClinVar's aggregate classification.

OMIM
Classification: other for HEMOGLOBIN KOBE. Last evaluated: 2017-12-12. Review status: no assertion criteria provided. Collection method: literature only. Allele origin: germline. Not counted in ClinVar's aggregate classification.

Literature cited by the submitters: PubMed 4127713 (cited by OMIM); PubMed 4352462 (cited by OMIM); PubMed 6153383 (cited by OMIM); PubMed 6998928 (cited by OMIM).

NM_000518.4(HBB):c.98T>C (p.Leu33Pro)

Genes: HBB (hemoglobin subunit beta; minus strand), LOC106099062 (HBB recombination region; plus strand), LOC107133510 (origin of replication at HBB; plus strand). Cytogenetic location: 11p15.4.
Variant type: single nucleotide variant.
Coding change: c.98T>C on transcript NM_000518.4; coding-DNA position 98, T replaced by C.
Protein change: p.Leu33Pro; replaces leucine 33 with proline.
Molecular consequence: missense variant (on NM_000518.5).
Genome position (GRCh38, 1-based): chr11:5,226,794, A>G on the plus strand (T>C on the coding strand, the complement: HBB is on the minus strand). VCF-style: chr11-5226794-A-G. GRCh37 (hg19) VCF-style: chr11-5248024-A-G.
Other names: L32P; Hb Abraham Lincoln; Hb Kobe; c.98T>C, p.Leu33Pro (NM_000518.5); short protein forms L33P.
Identifiers: ClinVar variation 15308 (VCV000015308.4), dbSNP rs33948578, ClinGen allele CA125096.
Genomic context (GRCh38, chr11:5,226,794, plus strand): 5'-TCAGGAGTGGACAGATCCCCAAAGGACTCAAAGAACCTCTGGGTCCAAGGGTAGACCACC[A>G]GCAGCCTAAGGGTGGGAAAATAGACCAATAGGCAGAGAGAGTCAGTGCCTATCAGAAACC-3'
Protein context (NP_000509.1, residues 23-43): EVGGEALGRL[Leu33Pro]VVYPWTQRFF